The following is an entry in ClinVar:

ClinVar aggregate classification (germline): Pathogenic (1 of 4 stars; one submission).

Conditions:
Inborn genetic diseases. Identifiers: MedGen C0950123, MeSH D030342.

Allele frequency attached by ClinVar (database versions not stated): gnomAD exomes below 0.00001.

Submission:

Ambry Genetics
Classification: Pathogenic for Inborn genetic diseases. Last evaluated: 2021-12-17. Review status: criteria provided, single submitter. Criteria: Ambry Variant Classification Scheme 2023. Collection method: clinical testing. Allele origin: germline.
Comment: The c.796_797dupTT (p.L266Ffs*18) alteration, located in exon 8 (coding exon 8) of the FDXR gene, consists of a duplication of TT at position 796, causing a translational frameshift with a predicted alternate stop codon after 18 amino acids. This alteration is expected to result in loss of function by premature protein truncation or nonsense-mediated mRNA decay. Based on data from gnomAD, this alteration has an overall frequency of <0.01% (1/250884) total alleles studied. Based on the available evidence, this alteration is classified as pathogenic.

NM_024417.5(FDXR):c.778_779dup (p.Leu260fs)

Gene: FDXR (ferredoxin reductase; minus strand). Cytogenetic location: 17q25.1.
Variant type: Duplication.
Coding change: c.778_779dup on transcript NM_024417.5 (MANE Select); coding-DNA positions 778 to 779, 2 bases duplicated (TT; older notation c.778_779dupTT).
Protein change: p.Leu260fs; shifts the reading frame from leucine 260.
Molecular consequence: frameshift variant. On other transcripts: non-coding transcript variant (1).
Genome position (GRCh38, 1-based): chr17:74,864,503-74,864,504, AA duplicated on the plus strand (TT on the coding strand, the reverse complement: FDXR is on the minus strand). VCF-style (leftmost placement, unchanged base first): chr17-74864502-C-CAA. GRCh37 (hg19) VCF-style: chr17-72860624-C-CAA.
Other names: c.907_908dup, p.Leu303fs (NM_001258012.4); c.871_872dup, p.Leu291fs (NM_001258013.4); c.754_755dup, p.Leu252fs (NM_001258014.4); c.658_659dup, p.Leu220fs (NM_001258015.3); c.622_623dup, p.Leu208fs (NM_001258016.3); c.796_797dup, p.Leu266fs (NM_004110.6); short protein forms L252fs, L260fs, L291fs, L220fs, L208fs, L266fs, L303fs.
Identifiers: ClinVar variation 2263800 (VCV002263800.2), dbSNP rs1567909915, ClinGen allele CA627592021.